The following is an entry in ClinVar:

ClinVar aggregate classification (germline): Uncertain significance. Review status: criteria provided, multiple submitters, no conflicts (2 of 4 stars). 2 submissions from 2 submitters: Uncertain significance (2). Last evaluated 2023-06-05.

Conditions:
Epidermolysis bullosa simplex 3, localized or generalized intermediate, with BP230 deficiency (EBS3). Also called: Epidermolysis bullosa simplex due to BP230 deficiency; Epidermolysis bullosa simplex, autosomal recessive 2. Identifiers: Orphanet 412181, MedGen C3809470, MONDO:0014180, OMIM 615425.
Hereditary sensory and autonomic neuropathy type 6. Also called: HSAN VI; Neuropathy, hereditary sensory and autonomic, type VI. Identifiers: Orphanet 314381, MedGen C3539003, MONDO:0013839, OMIM 614653.

Allele frequency attached by ClinVar (database versions not stated): gnomAD 0.00001; TOPMed 0.00003; gnomAD exomes 0.00007 and 0.00010; ESP Exome Variant Server 0.00008; ExAC 0.00018.
gnomAD v4.1: 104 of 1,604,090 alleles (0.0065%); highest among the groups gnomAD compares: Middle Eastern, 0.033%; 1 homozygote.

Submissions (2):

Mayo Clinic Laboratories, Mayo Clinic
Classification: Uncertain significance. Last evaluated: 2023-06-05. Review status: criteria provided, single submitter. Criteria: ACMG Guidelines, 2015. Collection method: clinical testing. Allele origin: germline. Observed: 1 variant allele.

Labcorp Genetics (formerly Invitae), Labcorp
Classification: Uncertain significance for Epidermolysis bullosa simplex 3, localized or generalized intermediate, with BP230 deficiency; Hereditary sensory and autonomic neuropathy type 6. Last evaluated: 2022-05-21. Review status: criteria provided, single submitter. Criteria: Invitae Variant Classification Sherloc (09022015). Collection method: clinical testing. Allele origin: germline.
Comment: The DST gene has multiple clinically relevant transcripts. This variant occurs in alternate transcript NM_015548.4, and corresponds to NM_001723.5:c.*122581A>G in the primary transcript. This sequence change replaces lysine, which is basic and polar, with glutamic acid, which is acidic and polar, at codon 4227 of the DST protein (p.Lys4227Glu). This variant is present in population databases (rs371940285, gnomAD 0.03%). This variant has not been reported in the literature in individuals affected with DST-related conditions. Experimental studies and prediction algorithms are not available or were not evaluated, and the functional significance of this variant is currently unknown. In summary, the available evidence is currently insufficient to determine the role of this variant in disease. Therefore, it has been classified as a Variant of Uncertain Significance.

NM_001374736.1(DST):c.20548A>G (p.Lys6850Glu)

Gene: DST (dystonin; minus strand). Cytogenetic location: 6p12.1.
Variant type: single nucleotide variant.
Coding change: c.20548A>G on transcript NM_001374736.1 (MANE Select); coding-DNA position 20548, A replaced by G.
Protein change: p.Lys6850Glu; replaces lysine 6850 with glutamic acid.
Molecular consequence: missense variant.
Genome position (GRCh38, 1-based): chr6:56,492,936, T>C on the plus strand (A>G on the coding strand, the complement: DST is on the minus strand). VCF-style: chr6-56492936-T-C. GRCh37 (hg19) VCF-style: chr6-56357734-T-C.
Other names: p.Lys4227Glu; c.14191A>G, p.Lys4731Glu (NM_001144769.5); c.13777A>G, p.Lys4593Glu (NM_001144770.2); c.20548A>G, p.Lys6850Glu (NM_001374722.1); c.19588A>G, p.Lys6530Glu (NM_001374729.1); c.13330A>G, p.Lys4444Glu (NM_001374730.1); c.20575A>G, p.Lys6859Glu (NM_001374734.1); c.13657A>G, p.Lys4553Glu (NM_001386100.1, NM_183380.4); and 1 more; short protein forms K6859E, K4731E, K6530E, K6850E, K4227E, K4444E, K4553E, K4593E.
Identifiers: ClinVar variation 1443436 (VCV001443436.6), dbSNP rs371940285, ClinGen allele CA3866728.